The following is an entry in ClinVar:

ClinVar aggregate classification (germline): Uncertain significance (1 of 4 stars; one submission).

Conditions:
Familial cancer of breast. Also called: Hereditary breast cancer; hereditary breast carcinoma; BREAST CANCER, FAMILIAL. Identifiers: Orphanet 227535, MedGen C0346153, MONDO:0016419, OMIM 114480. Disease mechanism: loss of function.

Submission:

Labcorp Genetics (formerly Invitae), Labcorp
Classification: Uncertain significance for Familial cancer of breast. Last evaluated: 2023-05-21. Review status: criteria provided, single submitter. Criteria: Invitae Variant Classification Sherloc (09022015). Collection method: clinical testing. Allele origin: germline.
Comment: An algorithm developed to predict the effect of missense changes on protein structure and function (PolyPhen-2) suggests that this variant is likely to be disruptive. This sequence change replaces leucine, which is neutral and non-polar, with isoleucine, which is neutral and non-polar, at codon 332 of the CHEK2 protein (p.Leu332Ile). This variant is not present in population databases (gnomAD no frequency). This variant has not been reported in the literature in individuals affected with CHEK2-related conditions. ClinVar contains an entry for this variant (Variation ID: 949319). In summary, the available evidence is currently insufficient to determine the role of this variant in disease. Therefore, it has been classified as a Variant of Uncertain Significance.

NM_007194.4(CHEK2):c.994C>A (p.Leu332Ile)

Gene: CHEK2 (checkpoint kinase 2; minus strand). Cytogenetic location: 22q12.1.
Variant type: single nucleotide variant.
Coding change: c.994C>A on transcript NM_007194.4 (MANE Select); coding-DNA position 994, C replaced by A.
Protein change: p.Leu332Ile; replaces leucine 332 with isoleucine.
Molecular consequence: missense variant.
Genome position (GRCh38, 1-based): chr22:28,699,852, G>T on the plus strand (C>A on the coding strand, the complement: CHEK2 is on the minus strand). VCF-style: chr22-28699852-G-T. GRCh37 (hg19) VCF-style: chr22-29095840-G-T.
Other names: c.1123C>A, p.Leu375Ile (NM_001005735.3); c.331C>A, p.Leu111Ile (NM_001257387.3); c.793C>A, p.Leu265Ile (NM_001349956.3); c.994C>A, p.Leu332Ile (NM_145862.3); short protein forms L111I, L265I, L332I, L375I.
Identifiers: ClinVar variation 949319 (VCV000949319.10), dbSNP rs1555915348, ClinGen allele CA411099443.